The following is an entry in ClinVar:

ClinVar aggregate classification (germline): Likely benign (1 of 4 stars; one submission).

Submission:

CeGaT Center for Human Genetics Tuebingen
Classification: Likely benign. Last evaluated: 2026-04-01. Review status: criteria provided, single submitter. Criteria: CeGaT Center For Human Genetics Tuebingen Variant Classification Criteria Version 2. Collection method: clinical testing. Allele origin: germline. Affected: yes. Observed: 1 variant allele.
Comment: H4C3: BP4, BP7

NM_003542.4(H4C3):c.39G>A (p.Lys13=)

Gene: H4C3 (H4 clustered histone 3; plus strand). Cytogenetic location: 6p22.2.
Variant type: single nucleotide variant.
Coding change: c.39G>A on transcript NM_003542.4 (MANE Select); coding-DNA position 39, G replaced by A.
Protein change: p.Lys13=; no amino-acid change (lysine 13 retained).
Molecular consequence: synonymous variant.
Genome position (GRCh38, 1-based): chr6:26,103,986, G>A. VCF-style: chr6-26103986-G-A. GRCh37 (hg19) VCF-style: chr6-26104214-G-A.
Identifiers: ClinVar variation 4872657 (VCV004872657.2).